The following is an entry in ClinVar:

ClinVar aggregate classification (germline): Uncertain significance. Review status: criteria provided, multiple submitters, no conflicts (2 of 4 stars). 2 submissions from 2 submitters: Uncertain significance (2). Last evaluated 2024-11-11.

Conditions:
Peroxisome biogenesis disorder. Identifiers: Orphanet 79189, MedGen C1832200, MONDO:0019234. Disease mechanism: loss of function.

Allele frequency attached by ClinVar (database versions not stated): TOPMed 0.00001.

Submissions (2):

Labcorp Genetics (formerly Invitae), Labcorp
Classification: Uncertain significance for Peroxisome biogenesis disorder. Last evaluated: 2024-11-11. Review status: criteria provided, single submitter. Criteria: Invitae Variant Classification Sherloc (09022015). Collection method: clinical testing. Allele origin: germline.
Comment: This sequence change falls in intron 7 of the PEX6 gene. It does not directly change the encoded amino acid sequence of the PEX6 protein. It affects a nucleotide within the consensus splice site. This variant is not present in population databases (gnomAD no frequency). This variant has not been reported in the literature in individuals affected with PEX6-related conditions. ClinVar contains an entry for this variant (Variation ID: 1482575). Variants that disrupt the consensus splice site are a relatively common cause of aberrant splicing (PMID: 17576681, 9536098). Algorithms developed to predict the effect of sequence changes on RNA splicing suggest that this variant is not likely to affect RNA splicing. In summary, the available evidence is currently insufficient to determine the role of this variant in disease. Therefore, it has been classified as a Variant of Uncertain Significance.

Revvity Omics, Revvity
Classification: Uncertain significance. Last evaluated: 2020-03-10. Review status: criteria provided, single submitter. Criteria: ACMG Guidelines, 2015. Collection method: clinical testing. Allele origin: germline.

Literature cited by the submitters: PubMed 17576681 (cited by Labcorp Genetics (formerly Invitae), Labcorp); PubMed 9536098 (cited by Labcorp Genetics (formerly Invitae), Labcorp).

NM_000287.4(PEX6):c.1689-3C>T

Gene: PEX6 (peroxisomal biogenesis factor 6; minus strand). Cytogenetic location: 6p21.1.
Variant type: single nucleotide variant.
Coding change: c.1689-3C>T on transcript NM_000287.4 (MANE Select); 3 bases into the intron before coding-DNA position 1689, C replaced by T.
Molecular consequence: intron variant.
Genome position (GRCh38, 1-based): chr6:42,967,566, G>A on the plus strand (C>T on the coding strand, the complement: PEX6 is on the minus strand). VCF-style: chr6-42967566-G-A. GRCh37 (hg19) VCF-style: chr6-42935304-G-A.
Other names: c.1425-3C>T (NM_001316313.2); c.1689-3C>T (NM_000287.3).
Identifiers: ClinVar variation 1482575 (VCV001482575.7), dbSNP rs769573987, ClinGen allele CA3811241.